The following is an entry in ClinVar:

NM_032608.7(MYO18B):c.118C>T (p.Gln40Ter)

Gene: MYO18B (myosin XVIIIB; plus strand). Cytogenetic location: 22q12.1.
Variant type: single nucleotide variant.
Coding change: c.118C>T on transcript NM_032608.7 (MANE Select); coding-DNA position 118, C replaced by T.
Protein change: p.Gln40Ter; replaces glutamine 40 with a stop codon.
Molecular consequence: nonsense.
Genome position (GRCh38, 1-based): chr22:25,763,309, C>T. VCF-style: chr22-25763309-C-T. GRCh37 (hg19) VCF-style: chr22-26159276-C-T.
Other names: c.118C>T, p.Gln40Ter (NM_001318245.2); short protein forms Q40*.
Identifiers: ClinVar variation 2097796 (VCV002097796.4), dbSNP rs2517622850, ClinGen allele CA410999914.

ClinVar aggregate classification (germline): Pathogenic (1 of 4 stars; one submission).

Submission:

Labcorp Genetics (formerly Invitae), Labcorp
Classification: Pathogenic. Last evaluated: 2022-10-17. Review status: criteria provided, single submitter. Criteria: Invitae Variant Classification Sherloc (09022015). Collection method: clinical testing. Allele origin: germline.
Comment: For these reasons, this variant has been classified as Pathogenic. This variant has not been reported in the literature in individuals affected with MYO18B-related conditions. This variant is not present in population databases (gnomAD no frequency). This sequence change creates a premature translational stop signal (p.Gln40*) in the MYO18B gene. It is expected to result in an absent or disrupted protein product. Loss-of-function variants in MYO18B are known to be pathogenic (PMID: 25748484, 32184166, 32637634).

Literature cited by the submitters: PubMed 25748484; PubMed 32184166; PubMed 32637634.